The following is an entry in ClinVar:

ClinVar aggregate classification (germline): Uncertain significance (1 of 4 stars; one submission).

Submission:

Labcorp Genetics (formerly Invitae), Labcorp
Classification: Uncertain significance. Last evaluated: 2022-10-13. Review status: criteria provided, single submitter. Criteria: Invitae Variant Classification Sherloc (09022015). Collection method: clinical testing. Allele origin: germline.
Comment: This variant has not been reported in the literature in individuals affected with POC5-related conditions. In summary, the available evidence is currently insufficient to determine the role of this variant in disease. Therefore, it has been classified as a Variant of Uncertain Significance. Algorithms developed to predict the effect of sequence changes on RNA splicing suggest that this variant may create or strengthen a splice site. ClinVar contains an entry for this variant (Variation ID: 1477445). The frequency data for this variant in the population databases is considered unreliable, as metrics indicate poor data quality at this position in the gnomAD database. This sequence change creates a premature translational stop signal (p.Ser122Glnfs*7) in the POC5 gene. It is expected to result in an absent or disrupted protein product. However, the current clinical and genetic evidence is not sufficient to establish whether loss-of-function variants in POC5 cause disease.

NM_001099271.2(POC5):c.362dup (p.Ser122fs)

Gene: POC5 (POC5 centriolar protein; minus strand). Cytogenetic location: 5q13.3.
Variant type: Duplication.
Coding change: c.362dup on transcript NM_001099271.2 (MANE Select); coding-DNA position 362, one base duplicated (T; older notation c.362dupT).
Protein change: p.Ser122fs; shifts the reading frame from serine 122.
Molecular consequence: frameshift variant.
Genome position (GRCh38, 1-based): chr5:75,702,756, A duplicated on the plus strand (T on the coding strand, the reverse complement: POC5 is on the minus strand); the first of 6 consecutive A bases (chr5:75,702,756-75,702,761); duplicating any one gives the same sequence. VCF-style (leftmost placement, unchanged base first): chr5-75702755-G-GA. GRCh37 (hg19) VCF-style: chr5-74998580-G-GA.
Other names: c.287dup, p.Ser97fs (NM_152408.3); short protein forms S122fs, S97fs.
Identifiers: ClinVar variation 1477445 (VCV001477445.6), dbSNP rs1418341517, ClinGen allele CA560469732.